The following is an entry in ClinVar:

NM_001165963.4(SCN1A):c.4002+2649del

Genes: SCN1A (sodium voltage-gated channel alpha subunit 1; minus strand), LOC102724058 (uncharacterized LOC102724058; plus strand). Cytogenetic location: 2q24.3.
Variant type: Deletion.
Coding change: c.4002+2649del on transcript NM_001165963.4 (MANE Select); 2649 bases into the intron after coding-DNA position 4002, one base deleted (T; older notation c.4002+2649delT).
Molecular consequence: intron variant.
Genome position (GRCh38, 1-based): chr2:166,007,070, A deleted on the plus strand (T on the coding strand, the reverse complement: SCN1A is on the minus strand); the first of 3 consecutive A bases (chr2:166,007,070-166,007,072); deleting any one gives the same sequence. VCF-style (leftmost placement, unchanged base first): chr2-166007069-CA-C. GRCh37 (hg19) VCF-style: chr2-166863579-CA-C.
Other names: c.3969+2649del (NM_001353949.2, NM_001353950.2, NM_001353951.2 and 2 more transcripts); c.3918+2649del (NM_001353958.2, NM_001353957.2, NM_001165964.3); c.4002+2649del (NM_001202435.3, NM_001353948.2); c.3966+2649del (NM_001353955.2, NM_001353954.2); c.3915+2649del (NM_001353960.2); c.1560+2649del (NM_001353961.2).
Identifiers: ClinVar variation 2958859 (VCV002958859.3), dbSNP rs2468469887, ClinGen allele CA2740095829.

ClinVar aggregate classification (germline): Uncertain significance (1 of 4 stars; one submission).

Conditions:
Early-infantile DEE. Also called: Early infantile epileptic encephalopathy with suppression bursts; Early infantile epileptic encephalopathy; Ohtahara syndrome. Identifiers: Orphanet 1934, MedGen C0393706, MONDO:0800491.

Submission:

Labcorp Genetics (formerly Invitae), Labcorp
Classification: Uncertain significance for Early-infantile DEE. Last evaluated: 2024-05-15. Review status: criteria provided, single submitter. Criteria: Invitae Variant Classification Sherloc (09022015). Collection method: clinical testing. Allele origin: germline.
Comment: This sequence change falls in intron 20 of the SCN1A gene. It does not directly change the encoded amino acid sequence of the SCN1A protein. However, this sequence change falls within a region encompassing a cryptic exon in the SCN1A gene, in which variants have been shown to alter splicing (PMID: 30526861, 34107977). This variant is not present in population databases (gnomAD no frequency). This variant has not been reported in the literature in individuals affected with SCN1A-related conditions. Algorithms developed to predict the effect of sequence changes on RNA splicing suggest that this variant is not likely to affect RNA splicing. In summary, the available evidence is currently insufficient to determine the role of this variant in disease. Therefore, it has been classified as a Variant of Uncertain Significance.

Literature cited by the submitters: PubMed 30526861; PubMed 34107977.